The following is an entry in ClinVar:

ClinVar aggregate classification (germline): Pathogenic. Review status: criteria provided, multiple submitters, no conflicts (2 of 4 stars). 2 submissions from 2 submitters: Pathogenic (2). Last evaluated 2025-08-15.

Conditions:
Hereditary cancer-predisposing syndrome. Also called: Neoplastic Syndromes, Hereditary; Tumor predisposition; Hereditary Cancer Syndrome; Hereditary neoplastic syndrome. Identifiers: Orphanet 140162, MedGen C0027672, MeSH D009386, MONDO:0015356.
Cardiovascular phenotype. Identifiers: MedGen CN230736.

Submissions (2):

Labcorp Genetics (formerly Invitae), Labcorp
Classification: Pathogenic. Last evaluated: 2025-08-15. Review status: criteria provided, single submitter. Criteria: Invitae Variant Classification Sherloc (09022015). Collection method: clinical testing. Allele origin: germline.
Comment: This sequence change creates a premature translational stop signal (p.Thr72Asnfs*6) in the LZTR1 gene. It is expected to result in an absent or disrupted protein product. Loss-of-function variants in LZTR1 are known to be pathogenic (PMID: 24362817, 25335493, 25480913, 25795793, 29469822, 30368668, 30442762, 30442766, 30481304, 30859559). This variant is not present in population databases (gnomAD no frequency). This variant has not been reported in the literature in individuals affected with LZTR1-related conditions. ClinVar contains an entry for this variant (Variation ID: 1786717). For these reasons, this variant has been classified as Pathogenic.

Ambry Genetics
Classification: Pathogenic for Cardiovascular phenotype; Hereditary cancer-predisposing syndrome. Last evaluated: 2022-08-24. Review status: criteria provided, single submitter. Criteria: Ambry Variant Classification Scheme 2023. Collection method: clinical testing. Allele origin: germline.
Comment: The c.214dupA pathogenic mutation, located in coding exon 2 of the LZTR1 gene, results from a duplication of A at nucleotide position 214, causing a translational frameshift with a predicted alternate stop codon (p.T72Nfs*6). This alteration is expected to result in loss of function by premature protein truncation or nonsense-mediated mRNA decay. This variant is considered to be rare based on population cohorts in the Genome Aggregation Database (gnomAD). Based on the supporting evidence, this variant is pathogenic for an increased risk of LZTR1-related schwannomatosis (SWN) and would be expected to cause autosomal recessive Noonan syndrome when present along with a second pathogenic or likely pathogenic variant on the other allele; however, the association of this alteration with autosomal dominant Noonan syndrome is unlikely.

Literature cited by the submitters: PubMed 24362817 (cited by Labcorp Genetics (formerly Invitae), Labcorp); PubMed 25335493 (cited by Labcorp Genetics (formerly Invitae), Labcorp); PubMed 25480913 (cited by Labcorp Genetics (formerly Invitae), Labcorp); PubMed 25795793 (cited by Labcorp Genetics (formerly Invitae), Labcorp); PubMed 29469822 (cited by Labcorp Genetics (formerly Invitae), Labcorp); PubMed 30368668 (cited by Labcorp Genetics (formerly Invitae), Labcorp); PubMed 30442762 (cited by Labcorp Genetics (formerly Invitae), Labcorp); PubMed 30442766 (cited by Labcorp Genetics (formerly Invitae), Labcorp); PubMed 30481304 (cited by Labcorp Genetics (formerly Invitae), Labcorp); PubMed 30859559 (cited by Labcorp Genetics (formerly Invitae), Labcorp).

NM_006767.4(LZTR1):c.214dup (p.Thr72fs)

Gene: LZTR1 (leucine zipper like post translational regulator 1; plus strand). Cytogenetic location: 22q11.21.
Variant type: Duplication.
Coding change: c.214dup on transcript NM_006767.4 (MANE Select); coding-DNA position 214, one base duplicated (A; older notation c.214dupA).
Protein change: p.Thr72fs; shifts the reading frame from threonine 72.
Molecular consequence: frameshift variant.
Genome position (GRCh38, 1-based): chr22:20,983,040, A duplicated. VCF-style (leftmost placement, unchanged base first): chr22-20983039-C-CA. GRCh37 (hg19) VCF-style: chr22-21337328-C-CA.
Other names: short protein forms T72fs.
Identifiers: ClinVar variation 1786717 (VCV001786717.3), dbSNP rs1924256257, ClinGen allele CA2396636177.